The following is an entry in ClinVar:

ClinVar aggregate classification (germline): Uncertain significance (1 of 4 stars; one submission).

Conditions:
Familial thoracic aortic aneurysm and aortic dissection (TAAD). Also called: Thoracic aortic aneurysms and dissections. Identifiers: Orphanet 91387, MedGen C4707243, MONDO:0019625.

Submission:

Ambry Genetics
Classification: Uncertain significance for Familial thoracic aortic aneurysm and aortic dissection. Last evaluated: 2026-08-16. Review status: criteria provided, single submitter. Criteria: Ambry Variant Classification Scheme 2023. Collection method: clinical testing. Allele origin: germline.
Comment: The p.G1466V variant (also known as c.4397G>T), located in coding exon 35 of the FBN1 gene, results from a G to T substitution at nucleotide position 4397. The glycine at codon 1466 is replaced by valine, an amino acid with dissimilar properties. This amino acid position is conserved. In addition, this alteration is predicted to be deleterious by in silico analysis. Based on the available evidence, the clinical significance of this variant remains unclear.

NM_000138.5(FBN1):c.4397G>T (p.Gly1466Val)

Gene: FBN1 (fibrillin 1; minus strand). Cytogenetic location: 15q21.1.
Variant type: single nucleotide variant.
Coding change: c.4397G>T on transcript NM_000138.5 (MANE Select); coding-DNA position 4397, G replaced by T.
Protein change: p.Gly1466Val; replaces glycine 1466 with valine.
Molecular consequence: missense variant.
Genome position (GRCh38, 1-based): chr15:48,470,696, C>A on the plus strand (G>T on the coding strand, the complement: FBN1 is on the minus strand). VCF-style: chr15-48470696-C-A. GRCh37 (hg19) VCF-style: chr15-48762893-C-A.
Other names: c.4397G>T, p.Gly1466Val (NM_001406716.1); short protein forms G1466V.
Identifiers: ClinVar variation 5021596 (VCV005021596.1).